The following is an entry in ClinVar:

ClinVar aggregate classification (germline): Likely benign. Review status: criteria provided, multiple submitters, no conflicts (2 of 4 stars). 3 submissions from 3 submitters: Likely benign (3). Last evaluated 2025-08-01.

Conditions:
Hereditary cancer-predisposing syndrome. Also called: Neoplastic Syndromes, Hereditary; Tumor predisposition; Hereditary neoplastic syndrome; Hereditary Cancer Syndrome. Identifiers: Orphanet 140162, MedGen C0027672, MeSH D009386, MONDO:0015356.
DICER1-related tumor predisposition. Also called: DICER1-related pleuropulmonary blastoma cancer predisposition syndrome; DICER1 syndrome. Identifiers: Orphanet 284343, MedGen C3839822, MONDO:0100216.

Submissions (3):

CeGaT Center for Human Genetics Tuebingen
Classification: Likely benign. Last evaluated: 2025-08-01. Review status: criteria provided, single submitter. Criteria: CeGaT Center For Human Genetics Tuebingen Variant Classification Criteria Version 2. Collection method: clinical testing. Allele origin: germline. Affected: yes. Observed: 1 variant allele.
Comment: DICER1: PM2:Supporting, BP4, BP7

Ambry Genetics
Classification: Likely benign for Hereditary cancer-predisposing syndrome. Last evaluated: 2023-05-14. Review status: criteria provided, single submitter. Criteria: Ambry Variant Classification Scheme 2023. Collection method: clinical testing. Allele origin: germline.

Labcorp Genetics (formerly Invitae), Labcorp
Classification: Likely benign for DICER1-related tumor predisposition. Last evaluated: 2021-02-18. Review status: criteria provided, single submitter. Criteria: Invitae Variant Classification Sherloc (09022015). Collection method: clinical testing. Allele origin: germline.

NM_177438.3(DICER1):c.4116A>G (p.Ser1372=)

Gene: DICER1 (dicer 1, ribonuclease III; minus strand). Cytogenetic location: 14q32.13.
Variant type: single nucleotide variant.
Coding change: c.4116A>G on transcript NM_177438.3 (MANE Select); coding-DNA position 4116, A replaced by G.
Protein change: p.Ser1372=; no amino-acid change (serine 1372 retained).
Molecular consequence: synonymous variant.
Genome position (GRCh38, 1-based): chr14:95,099,870, T>C on the plus strand (A>G on the coding strand, the complement: DICER1 is on the minus strand). VCF-style: chr14-95099870-T-C. GRCh37 (hg19) VCF-style: chr14-95566207-T-C.
Other names: c.4116A>G, p.Ser1372= (NM_030621.4, NM_001195573.1, NM_001271282.3 and 1 more transcripts); c.4116A>G (NM_177438.2).
Identifiers: ClinVar variation 1094452 (VCV001094452.19), dbSNP rs1890720472, ClinGen allele CA487625781.